The following is an entry in ClinVar:

NM_000059.4(BRCA2):c.6722C>T (p.Thr2241Ile)

Gene: BRCA2 (BRCA2 DNA repair associated; plus strand). Cytogenetic location: 13q13.1.
Variant type: single nucleotide variant.
Coding change: c.6722C>T on transcript NM_000059.4 (MANE Select); coding-DNA position 6722, C replaced by T.
Protein change: p.Thr2241Ile; replaces threonine 2241 with isoleucine.
Molecular consequence: missense variant.
Genome position (GRCh38, 1-based): chr13:32,341,077, C>T. VCF-style: chr13-32341077-C-T. GRCh37 (hg19) VCF-style: chr13-32915214-C-T.
Other names: short protein forms T2241I.
Identifiers: ClinVar variation 52170 (VCV000052170.11), dbSNP rs276174877, ClinGen allele CA024338.

ClinVar aggregate classification (germline): Conflicting classifications of pathogenicity. Review status: criteria provided, conflicting classifications (1 of 4 stars). 5 submissions from 5 submitters: Uncertain significance (3); Likely benign (1). 1 of the submissions does not count toward it. Last evaluated 2024-04-12.

Conditions:
Hereditary breast ovarian cancer syndrome. Also called: Hereditary breast and ovarian cancer syndrome; Hereditary breast and ovarian cancer; Hereditary breast and ovarian cancer syndrome (HBOC); Breast and ovarian cancer; Hereditary breast and/or ovarian cancer syndrome; BRCA1- and BRCA2-Associated Hereditary Breast and Ovarian Cancer. Identifiers: Orphanet 145, MedGen C0677776, MeSH D061325, MONDO:0003582. Disease mechanism: loss of function.
Breast-ovarian cancer, familial, susceptibility to, 2 (BROVCA2). Also called: BRCA2 Hereditary Breast and Ovarian Cancer. Identifiers: Orphanet 145, MedGen C2675520, MONDO:0012933, OMIM 612555. Disease mechanism: loss of function.
Hereditary cancer-predisposing syndrome. Also called: Neoplastic Syndromes, Hereditary; Tumor predisposition; Hereditary neoplastic syndrome; Hereditary Cancer Syndrome. Identifiers: Orphanet 140162, MedGen C0027672, MeSH D009386, MONDO:0015356.

Allele frequency attached by ClinVar (database versions not stated): gnomAD exomes below 0.00001.
gnomAD v4.1: 1 of 1,613,946 alleles (0.000062%); highest among the groups gnomAD compares: Non-Finnish European, 0.000085%; no homozygotes.

Submissions (5):

Ambry Genetics
Classification: Uncertain significance for Hereditary cancer-predisposing syndrome. Last evaluated: 2024-04-12. Review status: criteria provided, single submitter. Criteria: Ambry Variant Classification Scheme 2023. Collection method: clinical testing. Allele origin: germline.
Comment: The p.T2241I variant (also known as c.6722C>T), located in coding exon 10 of the BRCA2 gene, results from a C to T substitution at nucleotide position 6722. The threonine at codon 2241 is replaced by isoleucine, an amino acid with similar properties. This amino acid position is conserved. In addition, the in silico prediction for this alteration is inconclusive. Based on the available evidence, the clinical significance of this variant remains unclear.

Labcorp Genetics (formerly Invitae), Labcorp
Classification: Uncertain significance for Hereditary breast ovarian cancer syndrome. Last evaluated: 2024-03-20. Review status: criteria provided, single submitter. Criteria: Invitae Variant Classification Sherloc (09022015). Collection method: clinical testing. Allele origin: germline.
Comment: This sequence change replaces threonine, which is neutral and polar, with isoleucine, which is neutral and non-polar, at codon 2241 of the BRCA2 protein (p.Thr2241Ile). This variant is not present in population databases (gnomAD no frequency). This variant has not been reported in the literature in individuals affected with BRCA2-related conditions. ClinVar contains an entry for this variant (Variation ID: 52170). Advanced modeling of protein sequence and biophysical properties (such as structural, functional, and spatial information, amino acid conservation, physicochemical variation, residue mobility, and thermodynamic stability) performed at Invitae indicates that this missense variant is not expected to disrupt BRCA2 protein function with a negative predictive value of 95%. In summary, the available evidence is currently insufficient to determine the role of this variant in disease. Therefore, it has been classified as a Variant of Uncertain Significance.

University of Washington Department of Laboratory Medicine, University of Washington
Classification: Likely benign for Hereditary cancer-predisposing syndrome. Last evaluated: 2023-03-23. Review status: criteria provided, single submitter. Criteria: Dines et al. (Genet Med. 2020). Collection method: curation. Allele origin: germline.
Comment: Missense variant in a coldspot region where missense variants are very unlikely to be pathogenic (PMID:31911673).

BRCA2 exon 11 coldspot. Reclassification based on statistical prior probability.

Quest Diagnostics Nichols Institute San Juan Capistrano
Classification: Uncertain significance. Last evaluated: 2018-11-21. Review status: criteria provided, single submitter. Criteria: Quest Diagnostics criteria. Collection method: clinical testing. Allele origin: germline.

Breast Cancer Information Core (BIC) (BRCA2)
Classification: Uncertain significance for Breast-ovarian cancer, familial 2. Last evaluated: 2010-12-17. Review status: no assertion criteria provided. Collection method: clinical testing. Allele origin: germline. Affected: yes. Observed: 1 variant allele. Not counted in ClinVar's aggregate classification.